The following is an entry in ClinVar:

ClinVar aggregate classification (germline): Likely benign (0 of 4 stars; one submission).

Conditions:
BMP5-related disorder. Also called: BMP5-related condition.

Submission:

PreventionGenetics, part of Exact Sciences
Classification: Likely benign for BMP5-related condition. Last evaluated: 2019-03-22. Review status: no assertion criteria provided. Collection method: clinical testing. Allele origin: germline.
Comment: This variant is classified as likely benign based on ACMG/AMP sequence variant interpretation guidelines (Richards et al. 2015 PMID: 25741868, with internal and published modifications).

NM_021073.4(BMP5):c.1105-29GT[9]

Gene: BMP5 (bone morphogenetic protein 5; minus strand). Cytogenetic location: 6p12.1.
Variant type: Microsatellite.
Coding change: c.1105-29GT[9] on transcript NM_021073.4 (MANE Select); nine copies in a row of the 2-base unit GT starting at c.1105-29; the reference has ten copies in a row; one copy, 2 bases deleted.
Molecular consequence: intron variant.
Genome position (GRCh38, 1-based): chr6:55,759,125-55,759,126, AC deleted on the plus strand (GT on the coding strand, the reverse complement: BMP5 is on the minus strand); deleting any 2 consecutive bases within chr6:55,759,125-55,759,145 gives the same sequence; the position shown is the placement nearest the transcript's 3' end. VCF-style (leftmost placement, unchanged base first): chr6-55759124-TAC-T. GRCh37 (hg19) VCF-style: chr6-55623922-TAC-T.
Other names: c.1028-3462GT[9] (NM_001329756.2); c.1104+1313GT[9] (NM_001329754.2).
Identifiers: ClinVar variation 3038228 (VCV003038228.2), dbSNP rs749127959, ClinGen allele CA3864655.